The following is an entry in ClinVar:

NM_004991.4(MECOM):c.910T>G (p.Ser304Ala)

Gene: MECOM (MDS1 and EVI1 complex locus; minus strand). Cytogenetic location: 3q26.2.
Variant type: single nucleotide variant.
Coding change: c.910T>G on transcript NM_004991.4 (MANE Select); coding-DNA position 910, T replaced by G.
Protein change: p.Ser304Ala; replaces serine 304 with alanine.
Molecular consequence: missense variant.
Genome position (GRCh38, 1-based): chr3:169,122,648, A>C on the plus strand (T>G on the coding strand, the complement: MECOM is on the minus strand). VCF-style: chr3-169122648-A-C. GRCh37 (hg19) VCF-style: chr3-168840436-A-C.
Other names: c.538T>G, p.Ser180Ala (NM_001105077.4); c.346T>G, p.Ser116Ala (NM_001105078.4, NM_001163999.2, NM_001164000.2 and 9 more transcripts); c.910T>G, p.Ser304Ala (NM_001366466.2, NM_001366473.2); short protein forms S116A, S180A, S304A.
Identifiers: ClinVar variation 3871901 (VCV003871901.1).

ClinVar aggregate classification (germline): Uncertain significance (1 of 4 stars; one submission).

Conditions:
Inborn genetic diseases. Identifiers: MedGen C0950123, MeSH D030342.

Submission:

Ambry Genetics
Classification: Uncertain significance for Inborn genetic diseases. Last evaluated: 2025-03-10. Review status: criteria provided, single submitter. Criteria: Ambry Variant Classification Scheme 2023. Collection method: clinical testing. Allele origin: germline.
Comment: The p.S304A variant (also known as c.910T>G), located in coding exon 6 of the MECOM gene, results from a T to G substitution at nucleotide position 910. The serine at codon 304 is replaced by alanine, an amino acid with similar properties. This amino acid position is conserved. In addition, this alteration is predicted to be tolerated by in silico analysis. Based on the available evidence, the clinical significance of this variant remains unclear.